The following is an entry in ClinVar:

NM_003119.4(SPG7):c.1663G>C (p.Gly555Arg)

Gene: SPG7 (SPG7 matrix AAA peptidase subunit, paraplegin; plus strand). Cytogenetic location: 16q24.3.
Variant type: single nucleotide variant.
Coding change: c.1663G>C on transcript NM_003119.4 (MANE Select); coding-DNA position 1663, G replaced by C.
Protein change: p.Gly555Arg; replaces glycine 555 with arginine.
Molecular consequence: missense variant.
Genome position (GRCh38, 1-based): chr16:89,548,113, G>C. VCF-style: chr16-89548113-G-C. GRCh37 (hg19) VCF-style: chr16-89614521-G-C.
Other names: c.1663G>C, p.Gly555Arg (NM_001363850.1); short protein forms G555R.
Identifiers: ClinVar variation 4764135 (VCV004764135.1).
Genomic context (GRCh38, chr16:89,548,113, plus strand): 5'-GAGGGACACACTTCCGTGCACACTCTCAACTTCGAGTACGCCGTGGAGCGCGTCCTCGCA[G>C]GTACAGGGGGCGCGCCCTGGGTGAAGGCCCTCCTTAGCAGGGCTTGAACCCCAGAAATAC-3'
Protein context (NP_003110.1, residues 545-565): FEYAVERVLA[Gly555Arg]TAKKSKILSK

ClinVar aggregate classification (germline): Uncertain significance (1 of 4 stars; one submission).

Conditions:
Hereditary spastic paraplegia 7 (SPG7). Also called: SPASTIC PARAPLEGIA 7, AUTOSOMAL RECESSIVE, WITH OR WITHOUT CEREBELLAR ATAXIA; SPG7-related neurologic disorder; Spastic paraplegia 7; Hereditary spastic paraplegia Paraplegin type; Autosomal recessive spastic paraplegia type 7. Identifiers: Orphanet 99013, MedGen C1846564, MONDO:0011803, OMIM 607259.

gnomAD v4.1: 2 of 1,598,630 alleles (0.00013%); highest among the groups gnomAD compares: Admixed American, 0.0033%; no homozygotes.

Submission:

Labcorp Genetics (formerly Invitae), Labcorp
Classification: Uncertain significance for Hereditary spastic paraplegia 7. Last evaluated: 2025-03-30. Review status: criteria provided, single submitter. Criteria: Invitae Variant Classification Sherloc (09022015). Collection method: clinical testing. Allele origin: germline.
Comment: This sequence change replaces glycine, which is neutral and non-polar, with arginine, which is basic and polar, at codon 555 of the SPG7 protein (p.Gly555Arg). This variant also falls at the last nucleotide of exon 12, which is part of the consensus splice site for this exon. This variant is not present in population databases (gnomAD no frequency). This missense change has been observed in individual(s) with clinical features of SPG7-related conditions (internal data). An algorithm developed to predict the effect of missense changes on protein structure and function (PolyPhen-2) suggests that this variant is likely to be disruptive. Variants that disrupt the consensus splice site are a relatively common cause of aberrant splicing (PMID: 17576681, 9536098). Algorithms developed to predict the effect of sequence changes on RNA splicing suggest that this variant may disrupt the consensus splice site. In summary, the available evidence is currently insufficient to determine the role of this variant in disease. Therefore, it has been classified as a Variant of Uncertain Significance.

Literature cited by the submitters: PubMed 17576681; PubMed 9536098.